The following is an entry in ClinVar:

ClinVar aggregate classification (germline): Conflicting classifications of pathogenicity. Review status: criteria provided, conflicting classifications (1 of 4 stars). 2 submissions from 2 submitters: Uncertain significance (1); Likely benign (1). Last evaluated 2024-01-26.

Conditions:
Hereditary cancer-predisposing syndrome. Also called: Neoplastic Syndromes, Hereditary; Hereditary Cancer Syndrome; Hereditary neoplastic syndrome; Tumor predisposition. Identifiers: Orphanet 140162, MedGen C0027672, MeSH D009386, MONDO:0015356.

Submissions (2):

Ambry Genetics
Classification: Uncertain significance for Hereditary cancer-predisposing syndrome. Last evaluated: 2024-01-26. Review status: criteria provided, single submitter. Criteria: Ambry Variant Classification Scheme 2023. Collection method: clinical testing. Allele origin: germline.
Comment: The c.233-3C>T intronic variant results from a C to T substitution 3 nucleotides upstream from coding exon 3 in the SMARCB1 gene. This nucleotide position is not well conserved in available vertebrate species. In silico splice site analysis predicts that this alteration will not have any significant effect on splicing. Based on the available evidence, the clinical significance of this alteration remains unclear.

Labcorp Genetics (formerly Invitae), Labcorp
Classification: Likely benign. Last evaluated: 2023-10-13. Review status: criteria provided, single submitter. Criteria: Invitae Variant Classification Sherloc (09022015). Collection method: clinical testing. Allele origin: germline.

NM_003073.5(SMARCB1):c.233-3C>T

Gene: SMARCB1 (SWI/SNF related BAF chromatin remodeling complex subunit B1; plus strand). Cytogenetic location: 22q11.23.
Variant type: single nucleotide variant.
Coding change: c.233-3C>T on transcript NM_003073.5 (MANE Select); 3 bases into the intron before coding-DNA position 233, C replaced by T.
Molecular consequence: intron variant.
Genome position (GRCh38, 1-based): chr22:23,793,556, C>T. VCF-style: chr22-23793556-C-T. GRCh37 (hg19) VCF-style: chr22-24135743-C-T.
Other names: c.233-3C>T (NM_003073.3, NM_001362877.2); c.206-3C>T (NM_001317946.2, NM_001007468.3).
Identifiers: ClinVar variation 1439117 (VCV001439117.7), dbSNP rs2145963581, ClinGen allele CA2573157767.
Genomic context (GRCh38, chr22:23,793,556, plus strand): 5'-TTGGCTGGCTGCTGTGTGCCACCGCCACCAGCAGAGTGACCCAGTGATGTTTGTCTGTTA[C>T]AGATCACGGATACACGACTCTAGCCACCAGTGTGACCCTGTTAAAAGCCTCGGAAGTGGA-3'